The following is an entry in ClinVar:

NM_020738.4(KIDINS220):c.3617T>C (p.Leu1206Ser)

Gene: KIDINS220 (kinase D interacting substrate 220; minus strand). Cytogenetic location: 2p25.1.
Variant type: single nucleotide variant.
Coding change: c.3617T>C on transcript NM_020738.4 (MANE Select); coding-DNA position 3617, T replaced by C.
Protein change: p.Leu1206Ser; replaces leucine 1206 with serine.
Molecular consequence: missense variant. On other transcripts: non-coding transcript variant (2).
Genome position (GRCh38, 1-based): chr2:8,736,968, A>G on the plus strand (T>C on the coding strand, the complement: KIDINS220 is on the minus strand). VCF-style: chr2-8736968-A-G. GRCh37 (hg19) VCF-style: chr2-8877098-A-G.
Other names: c.3620T>C, p.Leu1207Ser (NM_001348729.2); c.3563T>C, p.Leu1188Ser (NM_001348731.2); c.3560T>C, p.Leu1187Ser (NM_001348732.2, NM_001348738.2); c.3449T>C, p.Leu1150Ser (NM_001348734.2, NM_001348739.2, NM_001348740.2); c.3446T>C, p.Leu1149Ser (NM_001348735.2, NM_001348741.2, NM_001348742.2 and 1 more transcripts); c.3320T>C, p.Leu1107Ser (NM_001348736.2); short protein forms L1107S, L1149S, L1187S, L1188S, L1207S, L1206S, L1150S.
Identifiers: ClinVar variation 2904836 (VCV002904836.3), dbSNP rs772198383, ClinGen allele CA1519567.

ClinVar aggregate classification (germline): Uncertain significance (1 of 4 stars; one submission).

Allele frequency attached by ClinVar (database versions not stated): gnomAD 0.00001; TOPMed 0.00001; ExAC 0.00002; gnomAD exomes 0.00002.
gnomAD v4.1: 35 of 1,614,090 alleles (0.0022%); highest among the groups gnomAD compares: Non-Finnish European, 0.0027%; no homozygotes.

Submission:

Labcorp Genetics (formerly Invitae), Labcorp
Classification: Uncertain significance. Last evaluated: 2022-12-18. Review status: criteria provided, single submitter. Criteria: Invitae Variant Classification Sherloc (09022015). Collection method: clinical testing. Allele origin: germline.
Comment: In summary, the available evidence is currently insufficient to determine the role of this variant in disease. Therefore, it has been classified as a Variant of Uncertain Significance. Algorithms developed to predict the effect of missense changes on protein structure and function output the following: SIFT: "Tolerated"; PolyPhen-2: "Benign"; Align-GVGD: "Class C0". The serine amino acid residue is found in multiple mammalian species, which suggests that this missense change does not adversely affect protein function. This variant has not been reported in the literature in individuals affected with KIDINS220-related conditions. This variant is present in population databases (rs772198383, gnomAD 0.002%). This sequence change replaces leucine, which is neutral and non-polar, with serine, which is neutral and polar, at codon 1206 of the KIDINS220 protein (p.Leu1206Ser).